The following is an entry in ClinVar:

ClinVar aggregate classification (germline): Pathogenic. Review status: criteria provided, multiple submitters, no conflicts (2 of 4 stars). 4 submissions from 4 submitters: Pathogenic (4). Last evaluated 2026-04-17.

Conditions:
Ehlers-Danlos syndrome, classic type, 1 (EDSCL1). Also called: EHLERS-DANLOS SYNDROME, GRAVIS TYPE; EHLERS-DANLOS SYNDROME, SEVERE CLASSIC TYPE; Ehlers-Danlos syndrome, type 1; Ehlers-Danlos Syndrome, Classic Type, COL5A1-Related; EDS I. Identifiers: MedGen C0268335, MONDO:0019567, OMIM 130000.

Submissions (4):

Women's Health and Genetics/Laboratory Corporation of America, LabCorp
Classification: Pathogenic for Ehlers-Danlos syndrome, classic type, 1. Last evaluated: 2026-04-17. Review status: criteria provided, single submitter. Criteria: LabCorp Variant Classification Summary - May 2015. Collection method: clinical testing. Allele origin: germline.
Comment: Variant summary: COL5A1 c.2159dupC (p.Gly721ArgfsX5) results in a premature termination codon, predicted to cause a truncation of the encoded protein or absence of the protein due to nonsense mediated decay, which are commonly known mechanisms for disease. The variant was absent in 248964 control chromosomes. c.2159dupC has been observed in at least one individual affected with Ehlers-Danlos Syndrome, Classic Type, 1 (Symoens_2012). To our knowledge, no experimental evidence demonstrating an impact on protein function has been reported. The following publications have been ascertained in the context of this evaluation (PMID: 34265140, 22696272). ClinVar contains an entry for this variant (Variation ID: 213029). Based on the evidence outlined above, the variant was classified as pathogenic.

Labcorp Genetics (formerly Invitae), Labcorp
Classification: Pathogenic for Ehlers-Danlos syndrome, classic type, 1. Last evaluated: 2023-07-10. Review status: criteria provided, single submitter. Criteria: Invitae Variant Classification Sherloc (09022015). Collection method: clinical testing. Allele origin: germline.
Comment: For these reasons, this variant has been classified as Pathogenic. ClinVar contains an entry for this variant (Variation ID: 213029). This premature translational stop signal has been observed in individual(s) with clinical features of Ehlers-Danlos syndrome (PMID: 22696272). This variant is not present in population databases (gnomAD no frequency). This sequence change creates a premature translational stop signal (p.Gly721Argfs*5) in the COL5A1 gene. It is expected to result in an absent or disrupted protein product. Loss-of-function variants in COL5A1 are known to be pathogenic (PMID: 23587214).

CeGaT Center for Human Genetics Tuebingen
Classification: Pathogenic. Last evaluated: 2021-11-01. Review status: criteria provided, single submitter. Criteria: CeGaT Center For Human Genetics Tuebingen Variant Classification Criteria Version 2. Collection method: clinical testing. Allele origin: germline. Affected: yes. Observed: 1 variant allele.

GeneDx
Classification: Pathogenic. Last evaluated: 2014-09-22. Review status: criteria provided, single submitter. Criteria: GeneDx Variant Classification (06012015). Collection method: clinical testing. Allele origin: germline. Affected: yes.
Comment: The c.2159dupC pathogenic variant in the COL5A1 gene has been reported in one individual diagnosed with or suspected to have classic EDS according to Villefranche diagnostic criteria (Symoens, et. all, 2012). This variant causes a shift in reading frame starting at codon Glycine 721, changing it to an Arginine, and creating a premature stop codon at position 5 of the new reading frame, denoted p.Gly721ArgfsX5. This variant is expected to result in either an abnormal, truncated protein product or loss of protein from this allele through nonsense-mediated mRNA decay. Other frameshift mutations in the COL5A1 gene have been reported in association with Ehlers-Danlos syndrome. In summary, c.2159dupC in the COL5A1 gene is interpreted as a pathogenic variant.

Literature cited by the submitters: PubMed 22696272 (cited by Women's Health and Genetics/Laboratory Corporation of America, LabCorp and Labcorp Genetics (formerly Invitae), Labcorp); PubMed 34265140 (cited by Women's Health and Genetics/Laboratory Corporation of America, LabCorp); PubMed 23587214 (cited by Labcorp Genetics (formerly Invitae), Labcorp).

NM_000093.5(COL5A1):c.2159dup (p.Gly721fs)

Gene: COL5A1 (collagen type V alpha 1 chain; plus strand). Cytogenetic location: 9q34.3.
Variant type: Duplication.
Coding change: c.2159dup on transcript NM_000093.5 (MANE Select); coding-DNA position 2159, one base duplicated (C; older notation c.2159dupC).
Protein change: p.Gly721fs; shifts the reading frame from glycine 721.
Molecular consequence: frameshift variant.
Genome position (GRCh38, 1-based): chr9:134,767,025, C duplicated; the last of 6 consecutive C bases (chr9:134,767,020-134,767,025); duplicating any one gives the same sequence. VCF-style (leftmost placement, unchanged base first): chr9-134767019-G-GC. GRCh37 (hg19) VCF-style: chr9-137658865-G-GC.
Other names: c.2159dup, p.Gly721fs (NM_001278074.1); c.2159dupC (NM_000093.5); short protein forms G721fs.
Identifiers: ClinVar variation 213029 (VCV000213029.44), dbSNP rs863223469, ClinGen allele CA322364.
Genomic context (GRCh38, chr9:134,767,019, plus strand): 5'-CCCAGAGCCCCCTTCAGTGCCTTTGCTCTTGTCTCCTGTAGGGTCCCCAGGGAGAGCCTG[G>GC]CCCCCCAGGACAGCAGGGTAATCCAGGCGCCCAGGTAAGTGAGCCTGAGAGAGGCAGCTC-3'